The following is an entry in ClinVar:

ClinVar aggregate classification (germline): Uncertain significance. Review status: criteria provided, multiple submitters, no conflicts (2 of 4 stars). 4 submissions from 4 submitters: Uncertain significance (3). 1 of the submissions does not count toward it. Last evaluated 2026-07-10.

Conditions:
RECQL4-related disorder. Also called: RECQL4-related condition; RECQL4-related disorders.
Baller-Gerold syndrome (BGS). Also called: CRANIOSYNOSTOSIS WITH RADIAL DEFECTS. Identifiers: Orphanet 1225, MedGen C0265308, MONDO:0009039, OMIM 218600.

Allele frequency attached by ClinVar (database versions not stated): gnomAD exomes 0.00006; ExAC 0.00011; gnomAD 0.00014 and 0.00015; TOPMed 0.00014; ESP Exome Variant Server 0.00016; 1000 Genomes Project 30x 0.00031; 1000 Genomes Project 0.00040.

Submissions (4):

PreventionGenetics, part of Exact Sciences
Classification: Uncertain significance for RECQL4-related condition. Last evaluated: 2026-07-10. Review status: criteria provided, single submitter. Criteria: ACMG Guidelines, 2015. Collection method: clinical testing. Allele origin: germline.
Comment: The RECQL4 c.2705G>A variant is predicted to result in the amino acid substitution p.Arg902Gln. This variant has been reported in a healthy individual assessed for germline variation in cancer-susceptibility genes (Table S1, Bodian et al. 2014. PubMed ID: 24728327). This variant is reported in 0.029% of alleles in individuals of African descent in gnomAD and is interpreted as uncertain in ClinVar (Variation ID: 135142). At this time, the clinical significance of this variant is uncertain due to the absence of conclusive functional and genetic evidence.

Labcorp Genetics (formerly Invitae), Labcorp
Classification: Uncertain significance for Baller-Gerold syndrome. Last evaluated: 2025-11-25. Review status: criteria provided, single submitter. Criteria: Invitae Variant Classification Sherloc (09022015). Collection method: clinical testing. Allele origin: germline.
Comment: This sequence change replaces arginine, which is basic and polar, with glutamine, which is neutral and polar, at codon 902 of the RECQL4 protein (p.Arg902Gln). This variant is present in population databases (rs372205013, gnomAD 0.02%). This variant has not been reported in the literature in individuals affected with RECQL4-related conditions. ClinVar contains an entry for this variant (Variation ID: 135142). Invitae Evidence Modeling of protein sequence and biophysical properties (such as structural, functional, and spatial information, amino acid conservation, physicochemical variation, residue mobility, and thermodynamic stability) indicates that this missense variant is not expected to disrupt RECQL4 protein function with a negative predictive value of 80%. In summary, the available evidence is currently insufficient to determine the role of this variant in disease. Therefore, it has been classified as a Variant of Uncertain Significance.

GeneDx
Classification: Uncertain significance. Last evaluated: 2020-02-04. Review status: criteria provided, single submitter. Criteria: GeneDx Variant Classification Process June 2021. Collection method: clinical testing. Allele origin: germline. Affected: yes.
Comment: In silico analysis supports that this missense variant does not alter protein structure/function; Has not been previously published as pathogenic or benign to our knowledge; This variant is associated with the following publications: (PMID: 24728327)

ITMI
No classification provided. Condition: AllHighlyPenetrant. Last evaluated: 2013-09-19. Review status: no classification provided. Collection method: reference population. Allele origin: germline. Not counted in ClinVar's aggregate classification.
Comment: Please see associated publication for description of ethnicities

Literature cited by the submitters: PubMed 24728327 (cited by ITMI).

NM_004260.4(RECQL4):c.2705G>A (p.Arg902Gln)

Gene: RECQL4 (RecQ like helicase 4; minus strand). Cytogenetic location: 8q24.3.
Variant type: single nucleotide variant.
Coding change: c.2705G>A on transcript NM_004260.4 (MANE Select); coding-DNA position 2705, G replaced by A.
Protein change: p.Arg902Gln; replaces arginine 902 with glutamine.
Molecular consequence: missense variant.
Genome position (GRCh38, 1-based): chr8:144,512,897, C>T on the plus strand (G>A on the coding strand, the complement: RECQL4 is on the minus strand). VCF-style: chr8-144512897-C-T. GRCh37 (hg19) VCF-style: chr8-145738280-C-T.
Other names: short protein forms R902Q.
Identifiers: ClinVar variation 135142 (VCV000135142.10), dbSNP rs372205013, ClinGen allele CA161841.